The following is an entry in ClinVar:

ClinVar aggregate classification (germline): Uncertain significance. Review status: criteria provided, multiple submitters, no conflicts (2 of 4 stars). 3 submissions from 3 submitters: Uncertain significance (3). Last evaluated 2024-03-03.

Conditions:
Syndromic X-linked intellectual disability Najm type (MICPCH). Also called: Mental retardation and microcephaly with pontine and cerebellar hypoplasia; Intellectual Disability and Microcephaly with Pontine and Cerebellar Hypoplasia (MICPCH); MENTAL RETARDATION, X-LINKED, SYNDROMIC, NAJM TYPE; MICPCH SYNDROME; Intellectual developmental disorder and microcephaly with pontine and cerebellar hypoplasia; Intellectual Disability and Microcephaly with Pontine and Cerebellar Hypoplasia. Identifiers: Orphanet 163937, MedGen C2677903, MONDO:0010417, OMIM 300749.
Intellectual disability, CASK-related, X-linked. Identifiers: MedGen CN043158.

Allele frequency attached by ClinVar (database versions not stated): TOPMed 0.00001.

Submissions (3):

GeneDx
Classification: Uncertain significance. Last evaluated: 2024-03-03. Review status: criteria provided, single submitter. Criteria: GeneDx Variant Classification Process June 2021. Collection method: clinical testing. Allele origin: germline. Affected: yes.
Comment: Not observed at significant frequency in large population cohorts (gnomAD); In silico analysis supports that this missense variant does not alter protein structure/function; Has not been previously published as pathogenic or benign to our knowledge

Neuberg Centre For Genomic Medicine, NCGM
Classification: Uncertain significance for Syndromic X-linked intellectual disability Najm type. Last evaluated: 2024-02-01. Review status: criteria provided, single submitter. Criteria: ACMG Guidelines, 2015. Collection method: clinical testing. Allele origin: germline. Inheritance: X-linked dominant inheritance. Affected: yes.
Comment: The observed variant in CASK gene has not been reported previously as a pathogenic variant nor as a benign variant, to our knowledge

Labcorp Genetics (formerly Invitae), Labcorp
Classification: Uncertain significance for Intellectual disability, CASK-related, X-linked. Last evaluated: 2020-08-24. Review status: criteria provided, single submitter. Criteria: Invitae Variant Classification Sherloc (09022015). Collection method: clinical testing. Allele origin: germline.
Comment: In summary, the available evidence is currently insufficient to determine the role of this variant in disease. Therefore, it has been classified as a Variant of Uncertain Significance. Algorithms developed to predict the effect of missense changes on protein structure and function are either unavailable or do not agree on the potential impact of this missense change (SIFT: "Deleterious"; PolyPhen-2: "Benign"; Align-GVGD: "Class C65"). This variant has not been reported in the literature in individuals with CASK-related conditions. This variant is not present in population databases (ExAC no frequency). This sequence change replaces serine with leucine at codon 576 of the CASK protein (p.Ser576Leu). The serine residue is highly conserved and there is a large physicochemical difference between serine and leucine.

NM_001367721.1(CASK):c.1727C>T (p.Ser576Leu)

Gene: CASK (calcium/calmodulin dependent serine protein kinase; minus strand). Cytogenetic location: Xp11.4.
Variant type: single nucleotide variant.
Coding change: c.1727C>T on transcript NM_001367721.1 (MANE Select); coding-DNA position 1727, C replaced by T.
Protein change: p.Ser576Leu; replaces serine 576 with leucine.
Molecular consequence: missense variant.
Genome position (GRCh38, 1-based): chrX:41,559,789, G>A on the plus strand (C>T on the coding strand, the complement: CASK is on the minus strand). VCF-style: chrX-41559789-G-A. GRCh37 (hg19) VCF-style: chrX-41419042-G-A.
Other names: c.1727C>T, p.Ser576Leu (NM_001126054.3, NM_003688.4); c.1709C>T, p.Ser570Leu (NM_001126055.3, NM_001410745.1); short protein forms S570L, S576L.
Identifiers: ClinVar variation 1023129 (VCV001023129.11), dbSNP rs2065202221, ClinGen allele CA412994391.